The following is an entry in ClinVar:

ClinVar aggregate classification (germline): Pathogenic/Likely pathogenic. Review status: criteria provided, multiple submitters, no conflicts (2 of 4 stars). 9 submissions from 9 submitters: Pathogenic (4); Likely pathogenic (2). 3 of the submissions do not count toward it. Last evaluated 2026-01-01.

Conditions:
Intellectual disability. Also called: Intellectual developmental disorder; Intellectual functioning disability; intellectual disabilities. Identifiers: MedGen C3714756, MeSH D008607, MONDO:0001071, HP:0001249.
Snijders Blok-Campeau syndrome. Also called: INTELLECTUAL DEVELOPMENTAL DISORDER WITH MACROCEPHALY, SPEECH DELAY, AND DYSMORPHIC FACIES. Identifiers: Orphanet 599082, MedGen C4748701, MONDO:0032600, OMIM 618205.
Inborn genetic diseases. Identifiers: MedGen C0950123, MeSH D030342.

Submissions (9):

CeGaT Center for Human Genetics Tuebingen
Classification: Pathogenic. Last evaluated: 2026-01-01. Review status: criteria provided, single submitter. Criteria: CeGaT Center For Human Genetics Tuebingen Variant Classification Criteria Version 2. Collection method: clinical testing. Allele origin: germline. Affected: yes. Observed: 1 variant allele.
Comment: CHD3: PS2:Very Strong, PS4, PM1, PM2, PM5, PP2

3billion
Classification: Pathogenic for Snijders Blok-Campeau syndrome. Last evaluated: 2024-01-26. Review status: criteria provided, single submitter. Criteria: ACMG Guidelines, 2015. Collection method: clinical testing. Allele origin: germline. Affected: yes.
Comment: The variant is not observed in the gnomAD v2.1.1 dataset. Predicted Consequence/Location: Missense changes are a common disease-causing mechanism. In silico tool predictions suggest damaging effect of the variant on gene or gene product [REVEL: 0.65 (>=0.6, sensitivity 0.68 and specificity 0.92); 3Cnet: 0.97 (>=0.6, sensitivity 0.72 and precision 0.9)]. Same nucleotide change resulting in same amino acid change (ClinVar ID: VCV000520977) and different missense changes at the same codon (p.Arg985Gln, p.Arg985Pro / ClinVar ID: VCV000549733, VCV002507027 / PMID: 30397230) have been previously reported as pathogenic/likely pathogenic with strong evidence. Therefore, this variant is classified as Pathogenic according to the recommendation of ACMG/AMP guideline.

Laboratory of Medical Genetics, National & Kapodistrian University of Athens
Classification: Pathogenic for Snijders Blok-Campeau syndrome. Last evaluated: 2022-08-31. Review status: criteria provided, single submitter. Criteria: ACMG Guidelines, 2015. Collection method: clinical testing. Allele origin: germline. Affected: yes.
Comment: PM2, PM5, PP2, PP3, PP5

Ambry Genetics
Classification: Likely pathogenic for Inborn genetic diseases. Last evaluated: 2019-03-13. Review status: criteria provided, single submitter. Criteria: Ambry Variant Classification Scheme 2023. Collection method: clinical testing. Allele origin: germline.
Comment: The alteration results in an amino acid change:_x000D_ _x000D_ The c.3130C>T (p.R1044W) alteration is located in coding exon 18 of the CHD3 gene. This alteration results from a C to T substitution at nucleotide position 3130, causing the arginine (R) at amino acid position 1044 to be replaced by a tryptophan (W). The alteration is not observed in healthy cohorts:_x000D_ _x000D_ Based on data from the Genome Aggregation Database (gnomAD), the CHD3 c.3130C>T alteration was not observed, with coverage at this position. Based on data from the NHLBI Exome Sequencing Project (ESP), the CHD3 c.3130C>T alteration was not observed among 6,503 individuals tested. Allele frequency data for this nucleotide position are not currently available from the 1000 Genomes Project. The amino acid change has been observed in affected individuals: _x000D_ _x000D_ This alteration has been reported once from a cohort of individuals with developmental disorders (DDD, 2017)._x000D_ _x000D_ Deciphering Developmental Disorders Study. Nature. (2017) 542(7642). PMID:28135719. Supplemental 1 The altered amino acid is conserved throughout evolution:_x000D_ _x000D_ The p.R1044 amino acid is conserved in available vertebrate species. The amino acid is located in a functionally important protein domain:_x000D_ _x000D_ The p.R1044W amino acid is located in the SNF2-like ATPase/helicase domain, which consists of two subdomains; a helicase ATP-binding lobe and C-terminal lobe. The majority of mutations have been observed to cluster within or around this domain. This domain uses ATPase activity to provide energy for nucleosome remodeling (Snijders Blok, 2018). The alteration is predicted deleterious by in silico models:_x000D_ _x000D_ The p.R1044W alteration is predicted to be probably damaging by Polyphen and deleterious by SIFT in silico analyses. Based on the available evidence, this alteration is classified as likely pathogenic.

SIB Swiss Institute of Bioinformatics
Classification: Pathogenic for Snijders Blok-Campeau syndrome. Last evaluated: 2019-02-19. Review status: criteria provided, single submitter. Criteria: ACMG Guidelines, 2015. Collection method: curation. Allele origin: unknown.
Comment: This variant is interpreted as a Pathogenic for Snijders Blok-Campeau syndrome, autosomal dominant. The following ACMG Tag(s) were applied: PM2 : Absent from controls (or at extremely low frequency if recessive) in Exome Sequencing Project, 1000 Genomes Project, or Exome Aggregation Consortium. PM6-Strong :PM6 upgraded in strength to Strong due to multiple de novo occurrences (PMID:30397230). PM1-supporting : PM1 downgraded in strength to Supporting. PP2 : Missense variant in a gene that has a low rate of benign missense variation and in which missense variants are a common mechanism of disease. PS4-Moderate : PS4 downgraded in strength to Moderate.

Juno Genomics, Hangzhou Juno Genomics, Inc
Classification: Likely pathogenic for Snijders Blok-Campeau syndrome. Review status: criteria provided, single submitter. Criteria: ACMG Guidelines, 2015. Collection method: clinical testing. Allele origin: germline. Affected: yes.
Comment: Absent from controls (or at extremely low frequency if recessive) in Genome Aggregation Database, Exome Sequencing Project, 1000 Genomes Project, or Exome Aggregation Consortium.;Multiple lines of computational evidence support a deleterious effect on the gene or gene product (conservation, evolutionary, splicing impact, etc).;Missense variant in a gene that has a low rate of benign missense variation and where missense variants are a common mechanism of disease.;The prevalence of the variant in affected individuals is significantly increased compared to the prevalence in controls.;Assumed de novo, but without confirmation of paternity and maternity.;Patient's phenotype or family history is highly specific for a disease with a single genetic etiology.

OMIM
Classification: Pathogenic for SNIJDERS BLOK-CAMPEAU SYNDROME. Last evaluated: 2023-05-12. Review status: no assertion criteria provided. Collection method: literature only. Allele origin: germline. Not counted in ClinVar's aggregate classification.

Molecular Genetics laboratory, Necker Hospital
Classification: Pathogenic. Last evaluated: 2021-01-14. Review status: no assertion criteria provided. Collection method: clinical testing. Allele origin: de novo. Affected: yes. Not counted in ClinVar's aggregate classification.

CHU Sainte-Justine Research Center, University of Montreal
Classification: Likely pathogenic for Intellectual disability. Last evaluated: 2018-05-03. Review status: no assertion criteria provided. Collection method: research. Allele origin: germline. Affected: yes. Not counted in ClinVar's aggregate classification.

Literature cited by the submitters: PubMed 30397230 (cited by 4 submitters); PubMed 28135719 (cited by Ambry Genetics).

NM_001005273.3(CHD3):c.2953C>T (p.Arg985Trp)

Gene: CHD3 (chromodomain helicase DNA binding protein 3; plus strand). Cytogenetic location: 17p13.1.
Variant type: single nucleotide variant.
Coding change: c.2953C>T on transcript NM_001005273.3 (MANE Select); coding-DNA position 2953, C replaced by T.
Protein change: p.Arg985Trp; replaces arginine 985 with tryptophan.
Molecular consequence: missense variant.
Genome position (GRCh38, 1-based): chr17:7,900,706, C>T. VCF-style: chr17-7900706-C-T. GRCh37 (hg19) VCF-style: chr17-7804024-C-T.
Other names: c.3130C>T, p.Arg1044Trp (NM_001005271.3); c.2953C>T, p.Arg985Trp (NM_005852.4); short protein forms R1044W, R985W.
Identifiers: ClinVar variation 520977 (VCV000520977.18), dbSNP rs1555611722, ClinGen allele CA397940726.
Genomic context (GRCh38, chr17:7,900,706, plus strand): 5'-CTGCGGAGACTCAAGGCAGATGTCTTTAAGAACATGCCAGCCAAGACAGAGCTCATCGTT[C>T]GGGTGGAGCTAAGCCCCATGCAGAAGTAAGATGCAAGACGAGCTGCCTGGAGTAGGGCTT-3'
Protein context (NP_001005273.1, residues 975-995): NMPAKTELIV[Arg985Trp]VELSPMQKKY